The following is an entry in ClinVar:

ClinVar aggregate classification (germline): Uncertain significance (1 of 4 stars; one submission).

gnomAD v4.1: 1 of 1,614,170 alleles (0.000062%); highest among the groups gnomAD compares: Non-Finnish European, 0.000085%; no homozygotes.

Submission:

Ambry Genetics
Classification: Uncertain significance. Last evaluated: 2024-06-21. Review status: criteria provided, single submitter. Criteria: Ambry Variant Classification Scheme 2023. Collection method: clinical testing. Allele origin: germline.
Comment: The p.K425M variant (also known as c.1274A>T), located in coding exon 12 of the RAD54L gene, results from an A to T substitution at nucleotide position 1274. The lysine at codon 425 is replaced by methionine, an amino acid with similar properties. This amino acid position is conserved. In addition, the in silico prediction for this alteration is inconclusive. Based on the available evidence, the clinical significance of this variant remains unclear.

NM_003579.4(RAD54L):c.1274A>T (p.Lys425Met)

Gene: RAD54L (RAD54 like; plus strand). Cytogenetic location: 1p34.1.
Variant type: single nucleotide variant.
Coding change: c.1274A>T on transcript NM_003579.4 (MANE Select); coding-DNA position 1274, A replaced by T.
Protein change: p.Lys425Met; replaces lysine 425 with methionine.
Molecular consequence: missense variant.
Genome position (GRCh38, 1-based): chr1:46,272,701, A>T. VCF-style: chr1-46272701-A-T. GRCh37 (hg19) VCF-style: chr1-46738373-A-T.
Other names: c.1274A>T, p.Lys425Met (NM_001142548.2); c.734A>T, p.Lys245Met (NM_001370766.1); short protein forms K425M, K245M.
Identifiers: ClinVar variation 3312432 (VCV003312432.1).
Genomic context (GRCh38, chr1:46,272,701, plus strand): 5'-CTTTTTCCACTGACCCAGCTGCCTTTTTTAGGCTGACACCCCTTCAGACTGAGTTATACA[A>T]GAGGTTTCTGAGACAAGCCAAACCGGCAGAAGAATTGCTTGAGGGCAAGATGAGTGTGTC-3'
Protein context (NP_003570.2, residues 415-435): RLTPLQTELY[Lys425Met]RFLRQAKPAE